The following is an entry in ClinVar:

ClinVar aggregate classification (germline): Conflicting classifications of pathogenicity. Review status: criteria provided, conflicting classifications (1 of 4 stars). 4 submissions from 4 submitters: Uncertain significance (3); Likely benign (1). Last evaluated 2025-08-01.

Conditions:
Inborn genetic diseases. Identifiers: MedGen C0950123, MeSH D030342.
Bethlem myopathy 1A. Also called: Bethlem myopathy 1; MYOPATHY, BENIGN CONGENITAL, WITH CONTRACTURES; Bethlem Muscular Dystrophy. Identifiers: Orphanet 610, MedGen CN029274, MONDO:0024530, OMIM 158810.

Allele frequency attached by ClinVar (database versions not stated): TOPMed 0.00001; gnomAD 0.00002 and 0.00003.
gnomAD v4.1: 14 of 1,613,526 alleles (0.00087%); highest among the groups gnomAD compares: Admixed American, 0.015%; no homozygotes.

Submissions (4):

Labcorp Genetics (formerly Invitae), Labcorp
Classification: Likely benign for Bethlem myopathy 1A. Last evaluated: 2025-08-01. Review status: criteria provided, single submitter. Criteria: Invitae Variant Classification Sherloc (09022015). Collection method: clinical testing. Allele origin: germline.

GeneDx
Classification: Uncertain significance. Last evaluated: 2024-10-23. Review status: criteria provided, single submitter. Criteria: GeneDx Variant Classification Process June 2021. Collection method: clinical testing. Allele origin: germline. Affected: yes.
Comment: In silico analysis indicates that this missense variant does not alter protein structure/function; Has not been previously published as pathogenic or benign to our knowledge

Ambry Genetics
Classification: Uncertain significance for Inborn genetic diseases. Last evaluated: 2024-06-07. Review status: criteria provided, single submitter. Criteria: Ambry Variant Classification Scheme 2023. Collection method: clinical testing. Allele origin: germline.

Eurofins Ntd Llc (ga)
Classification: Uncertain significance. Last evaluated: 2017-07-12. Review status: criteria provided, single submitter. Criteria: EGL Classification Definitions 2015. Collection method: clinical testing. Allele origin: germline. Observed: 1 variant allele, 1 heterozygote.

NM_004369.4(COL6A3):c.4197C>A (p.Ser1399Arg)

Gene: COL6A3 (collagen type VI alpha 3 chain; minus strand). Cytogenetic location: 2q37.3.
Variant type: single nucleotide variant.
Coding change: c.4197C>A on transcript NM_004369.4 (MANE Select); coding-DNA position 4197, C replaced by A.
Protein change: p.Ser1399Arg; replaces serine 1399 with arginine.
Molecular consequence: missense variant.
Genome position (GRCh38, 1-based): chr2:237,371,820, G>T on the plus strand (C>A on the coding strand, the complement: COL6A3 is on the minus strand). VCF-style: chr2-237371820-G-T. GRCh37 (hg19) VCF-style: chr2-238280463-G-T.
Other names: c.4197C>A (NM_004369.3); c.2976C>A, p.Ser992Arg (NM_057164.5); c.3579C>A, p.Ser1193Arg (NM_057165.5, NM_057167.4); c.2376C>A, p.Ser792Arg (NM_057166.5); short protein forms S1399R, S792R, S992R, S1193R.
Identifiers: ClinVar variation 593201 (VCV000593201.12), dbSNP rs755091615, ClinGen allele CA2188977.